The following is an entry in ClinVar:

ClinVar aggregate classification (germline): Uncertain significance (1 of 4 stars; one submission).

Conditions:
Candidiasis, familial, 9 (CANDF9). Identifiers: Orphanet 1334, MedGen C4225324, MONDO:0014642, OMIM 616445.

Allele frequency attached by ClinVar (database versions not stated): gnomAD exomes below 0.00001; ExAC 0.00001.
gnomAD v4.1: 1 of 1,606,144 alleles (0.000062%); highest among the groups gnomAD compares: South Asian, 0.0011%; no homozygotes.

Submission:

Labcorp Genetics (formerly Invitae), Labcorp
Classification: Uncertain significance for Candidiasis, familial, 9. Last evaluated: 2022-06-20. Review status: criteria provided, single submitter. Criteria: Invitae Variant Classification Sherloc (09022015). Collection method: clinical testing. Allele origin: germline.
Comment: This sequence change replaces valine, which is neutral and non-polar, with methionine, which is neutral and non-polar, at codon 779 of the IL17RC protein (p.Val779Met). The frequency data for this variant in the population databases is considered unreliable, as metrics indicate poor data quality at this position in the gnomAD database. This variant has not been reported in the literature in individuals affected with IL17RC-related conditions. ClinVar contains an entry for this variant (Variation ID: 1042909). Algorithms developed to predict the effect of missense changes on protein structure and function output the following: SIFT: "Tolerated"; PolyPhen-2: "Not Available"; Align-GVGD: "Class C0". The methionine amino acid residue is found in multiple mammalian species, which suggests that this missense change does not adversely affect protein function. In summary, the available evidence is currently insufficient to determine the role of this variant in disease. Therefore, it has been classified as a Variant of Uncertain Significance.

NM_153460.4(IL17RC):c.2122G>A (p.Val708Met)

Genes: IL17RC (interleukin 17 receptor C; plus strand), LOC129936144 (ATAC-STARR-seq lymphoblastoid silent region 14051; plus strand). Cytogenetic location: 3p25.3.
Variant type: single nucleotide variant.
Coding change: c.2122G>A on transcript NM_153460.4 (MANE Select); coding-DNA position 2122, G replaced by A.
Protein change: p.Val708Met; replaces valine 708 with methionine.
Molecular consequence: missense variant. On other transcripts: non-coding transcript variant (1).
Genome position (GRCh38, 1-based): chr3:9,933,552, G>A. VCF-style: chr3-9933552-G-A. GRCh37 (hg19) VCF-style: chr3-9975236-G-A.
Other names: c.2083G>A, p.Val695Met (NM_001203263.2); c.2032G>A, p.Val678Met (NM_001203264.2); c.2026G>A, p.Val676Met (NM_001203265.2); c.2044G>A, p.Val682Met (NM_001367278.1); c.1963G>A, p.Val655Met (NM_001367279.1); c.2038G>A, p.Val680Met (NM_001367280.1); c.2077G>A, p.Val693Met (NM_032732.6); c.2335G>A, p.Val779Met (NM_153461.4); short protein forms V680M, V693M, V655M, V678M, V695M, V708M, V676M, V682M.
Identifiers: ClinVar variation 1042909 (VCV001042909.5), dbSNP rs761099118, ClinGen allele CA2247499.